The following is an entry in ClinVar:

NM_001868.4(CPA1):c.353A>G (p.Asn118Ser)

Gene: CPA1 (carboxypeptidase A1; plus strand). Cytogenetic location: 7q32.2.
Variant type: single nucleotide variant.
Coding change: c.353A>G on transcript NM_001868.4 (MANE Select); coding-DNA position 353, A replaced by G.
Protein change: p.Asn118Ser; replaces asparagine 118 with serine.
Molecular consequence: missense variant.
Genome position (GRCh38, 1-based): chr7:130,381,835, A>G. VCF-style: chr7-130381835-A-G. GRCh37 (hg19) VCF-style: chr7-130021676-A-G.
Other names: short protein forms N118S.
Identifiers: ClinVar variation 2448259 (VCV002448259.2), dbSNP rs782419645, ClinGen allele CA4484763.

ClinVar aggregate classification (germline): Uncertain significance (1 of 4 stars; one submission).

Conditions:
Hereditary pancreatitis (PCTT). Also called: Hereditary chronic pancreatitis; PRSS1-Related Hereditary Pancreatitis. Identifiers: Orphanet 676, MedGen C0238339, MONDO:0008185, OMIM 167800.

Allele frequency attached by ClinVar (database versions not stated): gnomAD exomes below 0.00001; ExAC 0.00001; gnomAD 0.00001.

Submission:

Ambry Genetics
Classification: Uncertain significance for Hereditary pancreatitis. Last evaluated: 2022-11-26. Review status: criteria provided, single submitter. Criteria: Ambry Variant Classification Scheme 2023. Collection method: clinical testing. Allele origin: germline.
Comment: The p.N118S variant (also known as c.353A>G), located in coding exon 3 of the CPA1 gene, results from an A to G substitution at nucleotide position 353. The asparagine at codon 118 is replaced by serine, an amino acid with highly similar properties. This amino acid position is conserved. In addition, this alteration is predicted to be tolerated by in silico analysis. Since supporting evidence is limited at this time, the clinical significance of this alteration remains unclear.